The following is an entry in ClinVar:

ClinVar aggregate classification (germline): Pathogenic (1 of 4 stars; one submission).

Conditions:
Niemann-Pick disease, type C2 (NPC2). Identifiers: Orphanet 646, MedGen C1843366, MONDO:0011873, OMIM 607625.

Submission:

Myriad Genetics, Inc.
Classification: Pathogenic for Niemann-Pick disease, type C2. Last evaluated: 2025-10-30. Review status: criteria provided, single submitter. Criteria: Myriad Autosomal Dominant, Autosomal Recessive and X-Linked Classification Criteria (2023). Collection method: clinical testing. Allele origin: unknown.
Comment: NM_006432.3(NPC2):c.313_317del5(K105Lfs*2) is expected to be pathogenic in the context of Niemann-Pick disease type C2. This variant is predicted to lead to an abnormal or absent protein product due to the creation of a premature termination codon in NPC2, a gene where loss-of-function variants are known to be pathogenic. Please note: this variant was assessed in the context of healthy population screening.

NM_006432.5(NPC2):c.313_317del (p.Lys105fs)

Gene: NPC2 (NPC intracellular cholesterol transporter 2; minus strand). Cytogenetic location: 14q24.3.
Variant type: Microsatellite.
Coding change: c.313_317del on transcript NM_006432.5 (MANE Select); coding-DNA positions 313 to 317, 5 bases deleted (AAGAC; older notation c.313_317delAAGAC).
Protein change: p.Lys105fs; shifts the reading frame from lysine 105.
Molecular consequence: frameshift variant.
Genome position (GRCh38, 1-based): chr14:74,484,461-74,484,465, GTCTT deleted on the plus strand (AAGAC on the coding strand, the reverse complement: NPC2 is on the minus strand); deleting any 5 consecutive bases within chr14:74,484,461-74,484,470 gives the same sequence; the c. name uses the placement nearest the transcript's 3' end. VCF-style (leftmost placement, unchanged base first): chr14-74484460-GGTCTT-G. GRCh37 (hg19) VCF-style: chr14-74951163-GGTCTT-G.
Other names: c.313_317del, p.Lys105fs (NM_001363688.1, NM_001375440.1); short protein forms K105fs.
Identifiers: ClinVar variation 5015155 (VCV005015155.1).